The following is an entry in ClinVar:

NM_000016.6(ACADM):c.463A>G (p.Met155Val)

Gene: ACADM (acyl-CoA dehydrogenase medium chain; plus strand). Cytogenetic location: 1p31.1.
Variant type: single nucleotide variant.
Coding change: c.463A>G on transcript NM_000016.6 (MANE Select); coding-DNA position 463, A replaced by G.
Protein change: p.Met155Val; replaces methionine 155 with valine.
Molecular consequence: missense variant. On other transcripts: intron variant (1).
Genome position (GRCh38, 1-based): chr1:75,734,866, A>G. VCF-style: chr1-75734866-A-G. GRCh37 (hg19) VCF-style: chr1-76200551-A-G.
Other names: c.475A>G, p.Met159Val (NM_001127328.3); c.355A>G, p.Met119Val (NM_001286042.2); c.562A>G, p.Met188Val (NM_001286043.2); c.-100+1944A>G (NM_001286044.2); short protein forms M119V, M155V, M159V, M188V.
Identifiers: ClinVar variation 3673776 (VCV003673776.2).

ClinVar aggregate classification (germline): Uncertain significance (1 of 4 stars; one submission).

Conditions:
Medium-chain acyl-coenzyme A dehydrogenase deficiency (ACADMD). Also called: Medium chain acyl-CoA dehydrogenase deficiency; MCADH DEFICIENCY; MCADD; MCAD Deficiency; ACADM DEFICIENCY; CARNITINE DEFICIENCY SECONDARY TO MEDIUM-CHAIN ACYL-CoA DEHYDROGENASE DEFICIENCY. Identifiers: Orphanet 42, MedGen C0220710, MONDO:0008721, OMIM 201450.

Submission:

Labcorp Genetics (formerly Invitae), Labcorp
Classification: Uncertain significance for Medium-chain acyl-coenzyme A dehydrogenase deficiency. Last evaluated: 2024-11-10. Review status: criteria provided, single submitter. Criteria: Invitae Variant Classification Sherloc (09022015). Collection method: clinical testing. Allele origin: germline.
Comment: This sequence change replaces methionine, which is neutral and non-polar, with valine, which is neutral and non-polar, at codon 155 of the ACADM protein (p.Met155Val). This variant is not present in population databases (gnomAD no frequency). This variant has not been reported in the literature in individuals affected with ACADM-related conditions. Invitae Evidence Modeling of protein sequence and biophysical properties (such as structural, functional, and spatial information, amino acid conservation, physicochemical variation, residue mobility, and thermodynamic stability) indicates that this missense variant is not expected to disrupt ACADM protein function with a negative predictive value of 80%. This variant disrupts the p.Met155 amino acid residue in ACADM. Other variant(s) that disrupt this residue have been determined to be pathogenic (PMID: 15171998, 23028790; internal data). This suggests that this residue is clinically significant, and that variants that disrupt this residue are likely to be disease-causing. In summary, the available evidence is currently insufficient to determine the role of this variant in disease. Therefore, it has been classified as a Variant of Uncertain Significance.

Literature cited by the submitters: PubMed 15171998; PubMed 23028790.